The following is an entry in ClinVar:

NM_003628.6(PKP4):c.2107G>A (p.Ala703Thr)

Genes: PKP4 (plakophilin 4; plus strand), PKP4-AS1 (PKP4 antisense RNA 1; minus strand). Cytogenetic location: 2q24.1.
Variant type: single nucleotide variant.
Coding change: c.2107G>A on transcript NM_003628.6 (MANE Select); coding-DNA position 2107, G replaced by A.
Protein change: p.Ala703Thr; replaces alanine 703 with threonine.
Molecular consequence: missense variant. On other transcripts: non-coding transcript variant (1).
Genome position (GRCh38, 1-based): chr2:158,661,346, G>A. VCF-style: chr2-158661346-G-A. GRCh37 (hg19) VCF-style: chr2-159517858-G-A.
Other names: c.2107G>A, p.Ala703Thr (NM_001005476.4, NM_001304971.2, NM_001377218.1 and 1 more transcripts); c.2104G>A, p.Ala702Thr (NM_001304969.3, NM_001377219.1, NM_001377220.1 and 2 more transcripts); c.1078G>A, p.Ala360Thr (NM_001304970.3); c.2101G>A, p.Ala701Thr (NM_001377222.1, NM_001377223.1); c.2098G>A, p.Ala700Thr (NM_001377224.1); short protein forms A701T, A703T, A360T, A702T, A700T.
Identifiers: ClinVar variation 1786001 (VCV001786001.3), dbSNP rs143377767, ClinGen allele CA1920887.

ClinVar aggregate classification (germline): Uncertain significance (1 of 4 stars; one submission).

Allele frequency attached by ClinVar (database versions not stated): gnomAD exomes 0.00002; TOPMed 0.00004; gnomAD 0.00006; ESP Exome Variant Server 0.00008; 1000 Genomes Project 30x 0.00016; 1000 Genomes Project 0.00020.
gnomAD v4.1: 43 of 1,613,398 alleles (0.0027%); highest among the groups gnomAD compares: African/African-American, 0.021%; no homozygotes.

Submission:

Ambry Genetics
Classification: Uncertain significance. Last evaluated: 2025-03-04. Review status: criteria provided, single submitter. Criteria: Ambry Variant Classification Scheme 2023. Collection method: clinical testing. Allele origin: germline.
Comment: The p.A703T variant (also known as c.2107G>A), located in coding exon 12 of the PKP4 gene, results from a G to A substitution at nucleotide position 2107. The alanine at codon 703 is replaced by threonine, an amino acid with similar properties. This amino acid position is conserved. In addition, the in silico prediction for this alteration is inconclusive. Since supporting evidence is limited at this time, the clinical significance of this alteration remains unclear.